The following is an entry in ClinVar:

ClinVar aggregate classification (germline): Pathogenic. Review status: criteria provided, multiple submitters, no conflicts (2 of 4 stars). 4 submissions from 4 submitters: Pathogenic (4). Last evaluated 2026-01-21.

Conditions:
Hereditary breast ovarian cancer syndrome. Also called: Hereditary breast and ovarian cancer syndrome (HBOC); Hereditary breast and ovarian cancer syndrome; Breast and ovarian cancer; Hereditary breast and ovarian cancer; Hereditary breast and/or ovarian cancer syndrome; BRCA1- and BRCA2-Associated Hereditary Breast and Ovarian Cancer. Identifiers: Orphanet 145, MedGen C0677776, MeSH D061325, MONDO:0003582. Disease mechanism: loss of function.
Hereditary cancer-predisposing syndrome. Also called: Neoplastic Syndromes, Hereditary; Tumor predisposition; Hereditary neoplastic syndrome; Hereditary Cancer Syndrome. Identifiers: Orphanet 140162, MedGen C0027672, MeSH D009386, MONDO:0015356.
Familial cancer of breast. Also called: BREAST CANCER, FAMILIAL; hereditary breast carcinoma; Hereditary breast cancer. Identifiers: Orphanet 227535, MedGen C0346153, MONDO:0016419, OMIM 114480. Disease mechanism: loss of function.

Submissions (4):

Labcorp Genetics (formerly Invitae), Labcorp
Classification: Pathogenic for Familial cancer of breast. Last evaluated: 2026-01-21. Review status: criteria provided, single submitter. Criteria: Invitae Variant Classification Sherloc (09022015). Collection method: clinical testing. Allele origin: germline.
Comment: This sequence change creates a premature translational stop signal (p.Leu362*) in the PALB2 gene. It is expected to result in an absent or disrupted protein product. Loss-of-function variants in PALB2 are known to be pathogenic (PMID: 17200668, 17200671, 17200672, 24136930, 25099575). This variant is not present in population databases (gnomAD no frequency). This variant has not been reported in the literature in individuals affected with PALB2-related conditions. For these reasons, this variant has been classified as Pathogenic.

Women's Health and Genetics/Laboratory Corporation of America, LabCorp
Classification: Pathogenic for Hereditary breast ovarian cancer syndrome. Last evaluated: 2024-07-09. Review status: criteria provided, single submitter. Criteria: LabCorp Variant Classification Summary - May 2015. Collection method: clinical testing. Allele origin: germline.
Comment: Variant summary: PALB2 c.1084_1085delCT (p.Leu362X) results in a premature termination codon, predicted to cause absence of the protein due to nonsense mediated decay, which is a commonly known mechanism for disease. The variant was absent in 251360 control chromosomes. To our knowledge, no occurrence of c.1084_1085delCT in individuals affected with Hereditary Breast And Ovarian Cancer Syndrome and no experimental evidence demonstrating its impact on protein function have been reported. ClinVar contains an entry for this variant (Variation ID: 661924). Based on the evidence outlined above, the variant was classified as pathogenic.

Myriad Genetics, Inc.
Classification: Pathogenic for Familial cancer of breast. Last evaluated: 2023-09-07. Review status: criteria provided, single submitter. Criteria: Myriad Autosomal Dominant, Autosomal Recessive and X-Linked Classification Criteria (2023). Collection method: clinical testing. Allele origin: unknown.
Comment: This variant is considered pathogenic. This variant creates a termination codon and is predicted to result in premature protein truncation.

Ambry Genetics
Classification: Pathogenic for Hereditary cancer-predisposing syndrome. Last evaluated: 2022-04-29. Review status: criteria provided, single submitter. Criteria: Ambry Variant Classification Scheme 2023. Collection method: clinical testing. Allele origin: germline.
Comment: The c.1084_1085delCT pathogenic mutation, located in coding exon 4 of the PALB2 gene, results from a deletion of two nucleotides at nucleotide positions 1084 to 1085, causing a translational frameshift with a predicted alternate stop codon (p.L362*). This variant is considered to be rare based on population cohorts in the Genome Aggregation Database (gnomAD). This alteration is expected to result in loss of function by premature protein truncation or nonsense-mediated mRNA decay. As such, this alteration is interpreted as a disease-causing mutation.

Literature cited by the submitters: PubMed 17200668 (cited by Labcorp Genetics (formerly Invitae), Labcorp); PubMed 17200671 (cited by Labcorp Genetics (formerly Invitae), Labcorp); PubMed 17200672 (cited by Labcorp Genetics (formerly Invitae), Labcorp); PubMed 24136930 (cited by Labcorp Genetics (formerly Invitae), Labcorp); PubMed 25099575 (cited by Labcorp Genetics (formerly Invitae), Labcorp).

NM_024675.4(PALB2):c.1084_1085del (p.Thr361_Leu362insTer)

Gene: PALB2 (partner and localizer of BRCA2; minus strand). Cytogenetic location: 16p12.2.
Variant type: Microsatellite.
Coding change: c.1084_1085del on transcript NM_024675.4 (MANE Select); coding-DNA positions 1084 to 1085, 2 bases deleted (CT; older notation c.1084_1085delCT).
Protein change: p.Thr361_Leu362insTer.
Molecular consequence: nonsense.
Genome position (GRCh38, 1-based): chr16:23,635,461-23,635,462, AG deleted on the plus strand (CT on the coding strand, the reverse complement: PALB2 is on the minus strand); deleting any 2 consecutive bases within chr16:23,635,461-23,635,464 gives the same sequence; the c. name uses the placement nearest the transcript's 3' end. VCF-style (leftmost placement, unchanged base first): chr16-23635460-AAG-A. GRCh37 (hg19) VCF-style: chr16-23646781-AAG-A.
Other names: c.1084_1085delCT (NM_024675.4, NM_024675.3).
Identifiers: ClinVar variation 661924 (VCV000661924.12), dbSNP rs1597097182, ClinGen allele CA915949207.